The following is an entry in ClinVar:

NM_032387.5(WNK4):c.2326G>A (p.Val776Ile)

Gene: WNK4 (WNK lysine deficient protein kinase 4; plus strand). Cytogenetic location: 17q21.2.
Variant type: single nucleotide variant.
Coding change: c.2326G>A on transcript NM_032387.5 (MANE Select); coding-DNA position 2326, G replaced by A.
Protein change: p.Val776Ile; replaces valine 776 with isoleucine.
Molecular consequence: missense variant.
Genome position (GRCh38, 1-based): chr17:42,794,644, G>A. VCF-style: chr17-42794644-G-A. GRCh37 (hg19) VCF-style: chr17-40946662-G-A.
Other names: c.1318G>A, p.Val440Ile (NM_001321299.2); short protein forms V440I, V776I.
Identifiers: ClinVar variation 2596646 (VCV002596646.5), dbSNP rs200438705, ClinGen allele CA8584349.
Genomic context (GRCh38, chr17:42,794,644, plus strand): 5'-TGTGACTGCGGACTCCTTTTTCTGCCTCAGGAGGAGCCAGCACCATTACCTGCCCTGCCC[G>A]TCCCCCTCCCAGACCCATCCAATGGTATGTACTGAGTTGTGTCCTTGCTCATCCCAACCC-3'
Protein context (NP_115763.2, residues 766-786): EEPAPLPALP[Val776Ile]PLPDPSNEEL

ClinVar aggregate classification (germline): Conflicting classifications of pathogenicity. Review status: criteria provided, conflicting classifications (1 of 4 stars). 2 submissions from 2 submitters: Uncertain significance (1); Likely benign (1). Last evaluated 2023-12-11.

Conditions:
Inborn genetic diseases. Identifiers: MedGen C0950123, MeSH D030342.

Allele frequency attached by ClinVar (database versions not stated): 1000 Genomes Project 30x 0.00016; 1000 Genomes Project 0.00020.
gnomAD v4.1: 38 of 1,613,564 alleles (0.0024%); highest among the groups gnomAD compares: African/African-American, 0.025%; no homozygotes.

Submissions (2):

Labcorp Genetics (formerly Invitae), Labcorp
Classification: Uncertain significance. Last evaluated: 2023-12-11. Review status: criteria provided, single submitter. Criteria: Invitae Variant Classification Sherloc (09022015). Collection method: clinical testing. Allele origin: germline.
Comment: This sequence change replaces valine, which is neutral and non-polar, with isoleucine, which is neutral and non-polar, at codon 776 of the WNK4 protein (p.Val776Ile). This variant is present in population databases (rs200438705, gnomAD 0.03%). This variant has not been reported in the literature in individuals affected with WNK4-related conditions. Advanced modeling of protein sequence and biophysical properties (such as structural, functional, and spatial information, amino acid conservation, physicochemical variation, residue mobility, and thermodynamic stability) performed at Invitae indicates that this missense variant is not expected to disrupt WNK4 protein function with a negative predictive value of 95%. In summary, the available evidence is currently insufficient to determine the role of this variant in disease. Therefore, it has been classified as a Variant of Uncertain Significance.

Ambry Genetics
Classification: Likely benign for Inborn genetic diseases. Last evaluated: 2023-08-14. Review status: criteria provided, single submitter. Criteria: Ambry Variant Classification Scheme 2023. Collection method: clinical testing. Allele origin: germline.